The following is an entry in ClinVar:

Conditions:
Long QT syndrome 5 (LQT5). Identifiers: Orphanet 101016, Orphanet 768, MedGen C1867904, MONDO:0013372, OMIM 613695.

Submission:

Roden Lab, Vanderbilt University Medical Center
No classification provided (evidence only). Condition: Long QT syndrome 5. Review status: no classification provided. Collection method: in vitro. Allele origin: not applicable. Functional consequence: Effect on ion channel function.
ClinVar note: "not provided" was previously submitted as the classification for the variant. However, the classification appeared to be based only on an observation of functional data so it was converted to no classification on 2025-07-30.

NM_000219.6(KCNE1):c.306C>A (p.Ser102Arg)

Gene: KCNE1 (potassium voltage-gated channel subfamily E regulatory subunit 1; minus strand). Cytogenetic location: 21q22.12.
Variant type: single nucleotide variant.
Coding change: c.306C>A on transcript NM_000219.6 (MANE Select); coding-DNA position 306, C replaced by A.
Protein change: p.Ser102Arg; replaces serine 102 with arginine.
Molecular consequence: missense variant.
Genome position (GRCh38, 1-based): chr21:34,449,329, G>T on the plus strand (C>A on the coding strand, the complement: KCNE1 is on the minus strand). VCF-style: chr21-34449329-G-T. GRCh37 (hg19) VCF-style: chr21-35821627-G-T.
Other names: c.306C>A, p.Ser102Arg (NM_001127668.4, NM_001127669.4, NM_001127670.4 and 4 more transcripts); short protein forms S102R.
Identifiers: ClinVar variation 3374589 (VCV003374589.2).
Genomic context (GRCh38, chr21:34,449,329, plus strand): 5'-AAGGTGTGTGTTGGGTTGTTCTATGGCCAGATGGTTTTCAACGACATAGCACGACCTGTA[G>T]CTCTCCAGGACCCGGGCCTGGACATAGGCCTTGTCCTTCTCTTGCCAGGCATCGGACTCG-3'
Protein context (NP_000210.2, residues 92-112): KAYVQARVLE[Ser102Arg]YRSCYVVENH